The following is an entry in ClinVar:

NM_000283.4(PDE6B):c.469T>C (p.Cys157Arg)

Gene: PDE6B (phosphodiesterase 6B; plus strand). Cytogenetic location: 4p16.3.
Variant type: single nucleotide variant.
Coding change: c.469T>C on transcript NM_000283.4 (MANE Select); coding-DNA position 469, T replaced by C.
Protein change: p.Cys157Arg; replaces cysteine 157 with arginine.
Molecular consequence: missense variant.
Genome position (GRCh38, 1-based): chr4:634,677, T>C. VCF-style: chr4-634677-T-C. GRCh37 (hg19) VCF-style: chr4-628466-T-C.
Other names: c.469T>C, p.Cys157Arg (NM_001145291.2); short protein forms C157R.
Identifiers: ClinVar variation 1001919 (VCV001001919.8), dbSNP rs757406419, ClinGen allele CA355908087.

ClinVar aggregate classification (germline): Uncertain significance (1 of 4 stars; one submission).

Submission:

Labcorp Genetics (formerly Invitae), Labcorp
Classification: Uncertain significance. Last evaluated: 2022-07-19. Review status: criteria provided, single submitter. Criteria: Invitae Variant Classification Sherloc (09022015). Collection method: clinical testing. Allele origin: germline.
Comment: This sequence change replaces cysteine, which is neutral and slightly polar, with arginine, which is basic and polar, at codon 157 of the PDE6B protein (p.Cys157Arg). In summary, the available evidence is currently insufficient to determine the role of this variant in disease. Therefore, it has been classified as a Variant of Uncertain Significance. Algorithms developed to predict the effect of missense changes on protein structure and function are either unavailable or do not agree on the potential impact of this missense change (SIFT: "Deleterious"; PolyPhen-2: "Possibly Damaging"; Align-GVGD: "Class C0"). ClinVar contains an entry for this variant (Variation ID: 1001919). This variant has not been reported in the literature in individuals affected with PDE6B-related conditions. This variant is not present in population databases (gnomAD no frequency).